The following is an entry in ClinVar:

ClinVar aggregate classification (germline): Uncertain significance. Review status: criteria provided, multiple submitters, no conflicts (2 of 4 stars). 4 submissions from 4 submitters: Uncertain significance (4). Last evaluated 2025-11-11.

Conditions:
Multiple endocrine neoplasia, type 2 (MEN2). Identifiers: Orphanet 653, MedGen C4048306, MONDO:0019003. Disease mechanism: gain of function.
Hirschsprung disease, susceptibility to, 1 (HSCR1). Also called: RET-Related Hirschsprung Disease. Identifiers: Orphanet 388, MedGen C3888239, MONDO:0007723, OMIM 142623.
Multiple endocrine neoplasia type 2B. Also called: Multiple endocrine neoplasia, type 3; MULTIPLE ENDOCRINE NEOPLASIA, TYPE IIB; MEN IIB; NEUROMATA, MUCOSAL, WITH ENDOCRINE TUMORS; WAGENMANN-FROBOESE SYNDROME; MULTIPLE ENDOCRINE NEOPLASIA, TYPE III. Identifiers: Orphanet 247709, Orphanet 653, MedGen C0025269, MeSH D018814, MONDO:0008082, OMIM 162300.
Pheochromocytoma. Also called: MAX-Related Hereditary Paraganglioma-Pheochromocytoma Syndrome. Identifiers: Orphanet 29072, MedGen C0031511, MONDO:0008233, OMIM 171300, HP:0002666.
Familial medullary thyroid carcinoma (MTC). Also called: Thyroid cancer, familial medullary; MTC, familial; Familial Medullary Thyroid Carcinoma (FMTC). Identifiers: Orphanet 653, Orphanet 99361, MedGen C1833921, MONDO:0007958, OMIM 155240.
Multiple endocrine neoplasia type 2A. Also called: MULTIPLE ENDOCRINE NEOPLASIA, TYPE IIA; PTC SYNDROME; SIPPLE SYNDROME; MEN 2A; MEN-2A syndrome; Pheochromocytoma and amyloid producing medullary thyroid carcinoma. Identifiers: Orphanet 247698, Orphanet 653, MedGen C0025268, MeSH D018813, MONDO:0008234, OMIM 171400.
Hereditary cancer-predisposing syndrome. Also called: Tumor predisposition; Hereditary Cancer Syndrome; Hereditary neoplastic syndrome; Neoplastic Syndromes, Hereditary. Identifiers: Orphanet 140162, MedGen C0027672, MeSH D009386, MONDO:0015356.

Allele frequency attached by ClinVar (database versions not stated): gnomAD exomes below 0.00001.
gnomAD v4.1: 1 of 1,614,224 alleles (0.000062%); highest among the groups gnomAD compares: South Asian, 0.0011%; no homozygotes.

Submissions (4):

Labcorp Genetics (formerly Invitae), Labcorp
Classification: Uncertain significance for Multiple endocrine neoplasia, type 2. Last evaluated: 2025-11-11. Review status: criteria provided, single submitter. Criteria: Invitae Variant Classification Sherloc (09022015). Collection method: clinical testing. Allele origin: germline.
Comment: This sequence change replaces lysine, which is basic and polar, with asparagine, which is neutral and polar, at codon 1011 of the RET protein (p.Lys1011Asn). This variant is not present in population databases (gnomAD no frequency). This variant has not been reported in the literature in individuals affected with RET-related conditions. ClinVar contains an entry for this variant (Variation ID: 1799067). An algorithm developed to predict the effect of missense changes on protein structure and function (PolyPhen-2) suggests that this variant is likely to be tolerated. In summary, the available evidence is currently insufficient to determine the role of this variant in disease. Therefore, it has been classified as a Variant of Uncertain Significance.

Ambry Genetics
Classification: Uncertain significance for Hereditary cancer-predisposing syndrome. Last evaluated: 2025-08-12. Review status: criteria provided, single submitter. Criteria: Ambry Variant Classification Scheme 2023. Collection method: clinical testing. Allele origin: germline.
Comment: The p.K1011N variant (also known as c.3033G>C), located in coding exon 18 of the RET gene, results from a G to C substitution at nucleotide position 3033. The lysine at codon 1011 is replaced by asparagine, an amino acid with similar properties. This amino acid position is highly conserved in available vertebrate species. In addition, this alteration is predicted to be tolerated by in silico analysis. Since supporting evidence is limited at this time, the clinical significance of this alteration remains unclear.

Fulgent Genetics
Classification: Uncertain significance for Hirschsprung disease, susceptibility to, 1; Familial medullary thyroid carcinoma; Multiple endocrine neoplasia type 2B; Pheochromocytoma; Multiple endocrine neoplasia type 2A. Last evaluated: 2024-03-29. Review status: criteria provided, single submitter. Criteria: ACMG Guidelines, 2015. Collection method: clinical testing. Allele origin: germline.

Baylor Genetics
Classification: Uncertain significance for Hirschsprung disease, susceptibility to, 1. Last evaluated: 2023-11-27. Review status: criteria provided, single submitter. Criteria: ACMG Guidelines, 2015. Collection method: clinical testing. Allele origin: unknown.

NM_020975.6(RET):c.3033G>C (p.Lys1011Asn)

Gene: RET (ret proto-oncogene; plus strand). Cytogenetic location: 10q11.21.
Variant type: single nucleotide variant.
Coding change: c.3033G>C on transcript NM_020975.6 (MANE Select); coding-DNA position 3033, G replaced by C.
Protein change: p.Lys1011Asn; replaces lysine 1011 with asparagine.
Molecular consequence: missense variant.
Genome position (GRCh38, 1-based): chr10:43,124,976, G>C. VCF-style: chr10-43124976-G-C. GRCh37 (hg19) VCF-style: chr10-43620424-G-C.
Other names: c.3033G>C, p.Lys1011Asn (NM_000323.2, NM_001406743.1, NM_001406744.1 and 4 more transcripts); c.2271G>C, p.Lys757Asn (NM_001355216.2); c.2904G>C, p.Lys968Asn (NM_001406761.1, NM_001406762.1, NM_001406764.1); c.2898G>C, p.Lys966Asn (NM_001406763.1, NM_001406765.1); c.2745G>C, p.Lys915Asn (NM_001406766.1, NM_001406767.1, NM_001406770.1); c.2769G>C, p.Lys923Asn (NM_001406768.1); c.2637G>C, p.Lys879Asn (NM_001406769.1, NM_001406772.1); c.2595G>C, p.Lys865Asn (NM_001406771.1, NM_001406773.1); and 10 more; short protein forms K1011N, K712N, K769N, K923N, K576N, K667N, K672N, K681N.
Identifiers: ClinVar variation 1799067 (VCV001799067.6), dbSNP rs547501933, ClinGen allele CA376558236.
Genomic context (GRCh38, chr10:43,124,976, plus strand): 5'-GCCGGACAAAAGGCCGGTGTTTGCGGACATCAGCAAAGACCTGGAGAAGATGATGGTTAA[G>C]AGGAGAGTGAGTGCCTGGGTCCAATTCCCACAAGCTGAAAGTGGCTTGGGGAGACTCCAG-3'
Protein context (NP_066124.1, residues 1001-1021): ISKDLEKMMV[Lys1011Asn]RRDYLDLAAS